The following is an entry in ClinVar:

ClinVar aggregate classification (germline): Likely benign (1 of 4 stars; one submission).

Conditions:
MKS1-related disorder. Also called: MKS1-related disorders; MKS1-related condition. Identifiers: MedGen CN239382.

gnomAD v4.1: 6 of 1,614,014 alleles (0.00037%); highest among the groups gnomAD compares: Middle Eastern, 0.099%; no homozygotes.

Submission:

PreventionGenetics, part of Exact Sciences
Classification: Likely benign for MKS1-related condition. Last evaluated: 2025-11-10. Review status: criteria provided, single submitter. Criteria: ACMG Guidelines, 2015. Collection method: clinical testing. Allele origin: germline.
Comment: This variant is classified as likely benign based on ACMG/AMP sequence variant interpretation guidelines (Richards et al. 2015 PMID: 25741868, with internal and published modifications).

NM_017777.4(MKS1):c.1589-6T>C

Gene: MKS1 (MKS transition zone complex subunit 1; minus strand). Cytogenetic location: 17q22.
Variant type: single nucleotide variant.
Coding change: c.1589-6T>C on transcript NM_017777.4 (MANE Select); 6 bases into the intron before coding-DNA position 1589, T replaced by C.
Molecular consequence: intron variant.
Genome position (GRCh38, 1-based): chr17:58,206,176, A>G on the plus strand (T>C on the coding strand, the complement: MKS1 is on the minus strand). VCF-style: chr17-58206176-A-G. GRCh37 (hg19) VCF-style: chr17-56283537-A-G.
Other names: c.980-6T>C (NM_001321268.2); c.*1-6T>C (NM_001330397.2); c.1506-6T>C (NM_001321269.2).
Identifiers: ClinVar variation 4986840 (VCV004986840.1).